The following is an entry in ClinVar:

NM_000214.3(JAG1):c.294C>T (p.Ser98=)

Gene: JAG1 (jagged canonical Notch ligand 1; minus strand). Cytogenetic location: 20p12.2.
Variant type: single nucleotide variant.
Coding change: c.294C>T on transcript NM_000214.3 (MANE Select); coding-DNA position 294, C replaced by T.
Protein change: p.Ser98=; no amino-acid change (serine 98 retained).
Molecular consequence: synonymous variant.
Genome position (GRCh38, 1-based): chr20:10,672,794, G>A on the plus strand (C>T on the coding strand, the complement: JAG1 is on the minus strand). VCF-style: chr20-10672794-G-A. GRCh37 (hg19) VCF-style: chr20-10653442-G-A.
Other names: p.Ser98=; c.294C>T, p.Ser98= (LRG_1191t1).
Identifiers: ClinVar variation 255557 (VCV000255557.31), dbSNP rs79338570, ClinGen allele CA9765183.

ClinVar aggregate classification (germline): Benign/Likely benign. Review status: criteria provided, multiple submitters, no conflicts (2 of 4 stars). 10 submissions from 10 submitters: Benign (7); Likely benign (1). 2 of the submissions do not count toward it. Last evaluated 2026-02-01.

Conditions:
Cardiovascular phenotype. Identifiers: MedGen CN230736.
Isolated Nonsyndromic Congenital Heart Disease.
Alagille syndrome due to a JAG1 point mutation. Also called: HEPATIC DUCTULAR HYPOPLASIA, SYNDROMATIC; JAG1-Related Alagille Syndrome; Alagille Syndrome 1. Identifiers: Orphanet 261619, Orphanet 52, MedGen C1956125, MONDO:0016862, OMIM 118450.

Allele frequency attached by ClinVar (database versions not stated): 1000 Genomes Project 0.01238; 1000 Genomes Project 30x 0.01296; TOPMed 0.01439; ESP Exome Variant Server 0.01492.
gnomAD v4.1: 4,099 of 1,613,114 alleles (0.25%); highest among the groups gnomAD compares: African/African-American, 4.8%; 85 homozygotes.

Submissions (10):

Labcorp Genetics (formerly Invitae), Labcorp
Classification: Benign for Alagille syndrome due to a JAG1 point mutation. Last evaluated: 2026-02-01. Review status: criteria provided, single submitter. Criteria: Invitae Variant Classification Sherloc (09022015). Collection method: clinical testing. Allele origin: germline.

Women's Health and Genetics/Laboratory Corporation of America, LabCorp
Classification: Benign. Last evaluated: 2025-05-15. Review status: criteria provided, single submitter. Criteria: LabCorp Variant Classification Summary - May 2015. Collection method: clinical testing. Allele origin: germline.

Mayo Clinic Laboratories, Mayo Clinic
Classification: Benign. Last evaluated: 2023-02-09. Review status: criteria provided, single submitter. Criteria: ACMG Guidelines, 2015. Collection method: clinical testing. Allele origin: germline. Observed: 13 variant alleles.
Comment: BA1

Eurofins Ntd Llc (ga)
Classification: Benign. Last evaluated: 2017-07-25. Review status: criteria provided, single submitter. Criteria: EGL Classification Definitions 2015. Collection method: clinical testing. Allele origin: germline. Observed: 1 variant allele, 1 heterozygote.

Illumina Laboratory Services, Illumina
Classification: Likely benign for Isolated Nonsyndromic Congenital Heart Disease. Last evaluated: 2017-04-27. Review status: criteria provided, single submitter. Criteria: ICSL Variant Classification Criteria 13 December 2019. Collection method: clinical testing. Allele origin: germline.
Comment: This variant was observed as part of a predisposition screen in an ostensibly healthy population. A literature search was performed for the gene, cDNA change, and amino acid change (where applicable). No publications were found based on this search. Allele frequency data from public databases allowed determination this variant is unlikely to cause disease. Therefore, this variant is classified as likely benign.

Ambry Genetics
Classification: Benign for Cardiovascular phenotype. Last evaluated: 2016-06-29. Review status: criteria provided, single submitter. Criteria: Ambry Variant Classification Scheme 2023. Collection method: clinical testing. Allele origin: germline.

GeneDx
Classification: Benign. Last evaluated: 2015-03-03. Review status: criteria provided, single submitter. Criteria: GeneDx Variant Classification Process June 2021. Collection method: clinical testing. Allele origin: germline. Affected: yes.

PreventionGenetics, part of Exact Sciences
Classification: Benign. Review status: criteria provided, single submitter. Criteria: ACMG Guidelines, 2015. Collection method: clinical testing. Allele origin: germline.

Clinical Genetics DNA and cytogenetics Diagnostics Lab, Erasmus MC, Erasmus Medical Center
Classification: Benign. Review status: no assertion criteria provided. Collection method: clinical testing. Allele origin: germline. Affected: yes. Study: VKGL Data-share Consensus. Not counted in ClinVar's aggregate classification.

Clinical Genetics, Academic Medical Center
Classification: Benign. Review status: no assertion criteria provided. Collection method: clinical testing. Allele origin: germline. Affected: yes. Study: VKGL Data-share Consensus. Not counted in ClinVar's aggregate classification.